The following is an entry in ClinVar:

ClinVar aggregate classification (germline): Likely pathogenic. Review status: criteria provided, multiple submitters, no conflicts (2 of 4 stars). 3 submissions from 3 submitters: Likely pathogenic (3). Last evaluated 2025-08-01.

Conditions:
Familial adenomatous polyposis 4 (FAP4). Also called: MSH3-related attenuated familial adenomatous polyposis. Identifiers: Orphanet 480536, MedGen C4310719, MONDO:0044300, OMIM 617100.
Hereditary cancer-predisposing syndrome. Also called: Tumor predisposition; Hereditary Cancer Syndrome; Hereditary neoplastic syndrome; Neoplastic Syndromes, Hereditary. Identifiers: Orphanet 140162, MedGen C0027672, MeSH D009386, MONDO:0015356.

Submissions (3):

Ambry Genetics
Classification: Likely pathogenic for Hereditary cancer-predisposing syndrome. Last evaluated: 2025-08-01. Review status: criteria provided, single submitter. Criteria: Ambry Variant Classification Scheme 2023. Collection method: clinical testing. Allele origin: germline.
Comment: The c.2253+2T>A intronic variant results from a T to A substitution two nucleotides after coding exon 15 in the MSH3 gene. This variant is considered to be rare based on population cohorts in the Genome Aggregation Database (gnomAD). This nucleotide position is highly conserved in available vertebrate species. In silico splice site analysis predicts that this alteration will weaken the native splice donor site. RNA studies have demonstrated that this alteration results in abnormal splicing in the set of samples tested (Ambry internal data). Alterations that disrupt the canonical splice site are expected to cause aberrant splicing, resulting in an abnormal protein or a transcript that is subject to nonsense-mediated mRNA decay. As such, this alteration is classified as likely pathogenic.

Myriad Genetics, Inc.
Classification: Likely pathogenic for Familial adenomatous polyposis 4. Last evaluated: 2023-08-30. Review status: criteria provided, single submitter. Criteria: Myriad Autosomal Dominant, Autosomal Recessive and X-Linked Classification Criteria (2023). Collection method: clinical testing. Allele origin: unknown.
Comment: This variant is considered likely pathogenic. This variant occurs within a consensus splice junction and is predicted to result in abnormal mRNA splicing of either an out-of-frame exon or an in-frame exon necessary for protein stability and/or normal function.

Labcorp Genetics (formerly Invitae), Labcorp
Classification: Likely pathogenic. Last evaluated: 2022-12-31. Review status: criteria provided, single submitter. Criteria: Invitae Variant Classification Sherloc (09022015). Collection method: clinical testing. Allele origin: germline.
Comment: This sequence change affects a donor splice site in intron 15 of the MSH3 gene. It is expected to disrupt RNA splicing. Variants that disrupt the donor or acceptor splice site typically lead to a loss of protein function (PMID: 16199547), and loss-of-function variants in MSH3 are known to be pathogenic (PMID: 27476653). This variant is not present in population databases (gnomAD no frequency). This variant has not been reported in the literature in individuals affected with MSH3-related conditions. ClinVar contains an entry for this variant (Variation ID: 1477857). Algorithms developed to predict the effect of sequence changes on RNA splicing suggest that this variant may disrupt the consensus splice site. In summary, the currently available evidence indicates that the variant is pathogenic, but additional data are needed to prove that conclusively. Therefore, this variant has been classified as Likely Pathogenic.

Literature cited by the submitters: PubMed 16199547 (cited by Labcorp Genetics (formerly Invitae), Labcorp); PubMed 27476653 (cited by Labcorp Genetics (formerly Invitae), Labcorp).

NM_002439.5(MSH3):c.2253+2T>A

Gene: MSH3 (mutS homolog 3; plus strand). Cytogenetic location: 5q14.1.
Variant type: single nucleotide variant.
Coding change: c.2253+2T>A on transcript NM_002439.5 (MANE Select); the canonical splice donor site of the intron after coding-DNA position 2253, T replaced by A.
Molecular consequence: splice donor variant.
Genome position (GRCh38, 1-based): chr5:80,769,005, T>A. VCF-style: chr5-80769005-T-A. GRCh37 (hg19) VCF-style: chr5-80064824-T-A.
Other names: c.2253+2T>A (NM_002439.3).
Identifiers: ClinVar variation 1477857 (VCV001477857.8), dbSNP rs2112885348, ClinGen allele CA360279835.